The following is an entry in ClinVar:

NM_001267550.2(TTN):c.26605G>A (p.Glu8869Lys)

Gene: TTN (titin; minus strand). Cytogenetic location: 2q31.2.
Variant type: single nucleotide variant.
Coding change: c.26605G>A on transcript NM_001267550.2 (MANE Select); coding-DNA position 26605, G replaced by A.
Protein change: p.Glu8869Lys; replaces glutamic acid 8869 with lysine.
Molecular consequence: missense variant. On other transcripts: intron variant (3).
Genome position (GRCh38, 1-based): chr2:178,714,053, C>T on the plus strand (G>A on the coding strand, the complement: TTN is on the minus strand). VCF-style: chr2-178714053-C-T. GRCh37 (hg19) VCF-style: chr2-179578780-C-T.
Other names: c.25654G>A, p.Glu8552Lys (NM_001256850.1); c.22873G>A, p.Glu7625Lys (NM_133378.4); c.13282+24029G>A (NM_003319.4); c.13858+24029G>A (NM_133437.4); c.13657+24029G>A (NM_133432.3); short protein forms E7625K, E8552K, E8869K.
Identifiers: ClinVar variation 680494 (VCV000680494.3), dbSNP rs375373507, ClinGen allele CA1999962.

ClinVar aggregate classification (germline): Likely benign. Review status: criteria provided, multiple submitters, no conflicts (2 of 4 stars). 2 submissions from 2 submitters: Likely benign (2). Last evaluated 2022-04-19.

Conditions:
Cardiomyopathy (CMYO). Also called: Cardiomyopathies. Identifiers: Orphanet 167848, MedGen C0878544, MONDO:0004994, HP:0001638. Inheritance: Various modes of inheritance.

Allele frequency attached by ClinVar (database versions not stated): TOPMed below 0.00001; gnomAD exomes 0.00001 and 0.00002; ExAC 0.00003; ESP Exome Variant Server 0.00008.
gnomAD v4.1: 8 of 1,613,596 alleles (0.0005%); highest among the groups gnomAD compares: Non-Finnish European, 0.00059%; no homozygotes.

Submissions (2):

CHEO Genetics Diagnostic Laboratory, Children's Hospital of Eastern Ontario
Classification: Likely benign for Cardiomyopathy. Last evaluated: 2022-04-19. Review status: criteria provided, single submitter. Criteria: ACMG Guidelines, 2015. Collection method: clinical testing. Allele origin: germline.

GeneDx
Classification: Likely benign. Last evaluated: 2018-03-16. Review status: criteria provided, single submitter. Criteria: GeneDx Variant Classification (06012015). Collection method: clinical testing. Allele origin: germline. Affected: yes.
Comment: This variant is considered likely benign or benign based on one or more of the following criteria: it is a conservative change, it occurs at a poorly conserved position in the protein, it is predicted to be benign by multiple in silico algorithms, and/or has population frequency not consistent with disease.